The following is an entry in ClinVar:

ClinVar aggregate classification (germline): Uncertain significance (1 of 4 stars; one submission).

Conditions:
Tuberous sclerosis 2 (TSC2). Identifiers: Orphanet 805, MedGen C1860707, MONDO:0013199, OMIM 613254.

Submission:

Labcorp Genetics (formerly Invitae), Labcorp
Classification: Uncertain significance for Tuberous sclerosis 2. Last evaluated: 2025-02-04. Review status: criteria provided, single submitter. Criteria: Invitae Variant Classification Sherloc (09022015). Collection method: clinical testing. Allele origin: germline.
Comment: This sequence change replaces serine, which is neutral and polar, with asparagine, which is neutral and polar, at codon 1482 of the TSC2 protein (p.Ser1482Asn). This variant is not present in population databases (gnomAD no frequency). This variant has not been reported in the literature in individuals affected with TSC2-related conditions. Invitae Evidence Modeling of protein sequence and biophysical properties (such as structural, functional, and spatial information, amino acid conservation, physicochemical variation, residue mobility, and thermodynamic stability) indicates that this missense variant is not expected to disrupt TSC2 protein function with a negative predictive value of 95%. In summary, the available evidence is currently insufficient to determine the role of this variant in disease. Therefore, it has been classified as a Variant of Uncertain Significance.

NM_000548.5(TSC2):c.4445G>A (p.Ser1482Asn)

Gene: TSC2 (TSC complex subunit 2; plus strand). Cytogenetic location: 16p13.3.
Variant type: single nucleotide variant.
Coding change: c.4445G>A on transcript NM_000548.5 (MANE Select); coding-DNA position 4445, G replaced by A.
Protein change: p.Ser1482Asn; replaces serine 1482 with asparagine.
Molecular consequence: missense variant. On other transcripts: non-coding transcript variant (5).
Genome position (GRCh38, 1-based): chr16:2,084,667, G>A. VCF-style: chr16-2084667-G-A. GRCh37 (hg19) VCF-style: chr16-2134668-G-A.
Other names: c.3647G>A, p.Ser1216Asn (NM_001406686.1, NM_001406685.1); c.3644G>A, p.Ser1215Asn (NM_001406687.1, NM_001406688.1); c.3032G>A, p.Ser1011Asn (NM_001406689.1); c.2972G>A, p.Ser991Asn (NM_001406690.1); c.2969G>A, p.Ser990Asn (NM_001406691.1); c.2903G>A, p.Ser968Asn (NM_001406692.1, NM_001406693.1, NM_001406694.1); c.2900G>A, p.Ser967Asn (NM_001406695.1, NM_001406696.1, NM_001406697.1); c.4244G>A, p.Ser1415Asn (NM_001077183.3); and 26 more; short protein forms S1011N, S1215N, S1216N, S1238N, S1258N, S1259N, S1262N, S1282N.
Identifiers: ClinVar variation 4802886 (VCV004802886.1).